The following is an entry in ClinVar:

NM_020964.3(EPG5):c.712C>T (p.Arg238Cys)

Gene: EPG5 (ectopic P-granules 5 autophagy tethering factor; minus strand). Cytogenetic location: 18q21.1.
Variant type: single nucleotide variant.
Coding change: c.712C>T on transcript NM_020964.3 (MANE Select); coding-DNA position 712, C replaced by T.
Protein change: p.Arg238Cys; replaces arginine 238 with cysteine.
Molecular consequence: missense variant.
Genome position (GRCh38, 1-based): chr18:45,954,690, G>A on the plus strand (C>T on the coding strand, the complement: EPG5 is on the minus strand). VCF-style: chr18-45954690-G-A. GRCh37 (hg19) VCF-style: chr18-43534656-G-A.
Other names: short protein forms R238C.
Identifiers: ClinVar variation 1058306 (VCV001058306.9), dbSNP rs745445439, ClinGen allele CA8949902.
Genomic context (GRCh38, chr18:45,954,690, plus strand): 5'-CTTTAGTAAATGGTACTAGTTCCAGTTGAGACGGGAGTTCTGGGTAGAGTCGCTCACTGC[G>A]AAGCAAGGGTTTCACTGCCACCAAAGCTGGTGCTTCTCCAGCAATTTCAGCTGGCAACTG-3'
Protein context (NP_066015.2, residues 228-248): PALVAVKPLL[Arg238Cys]SERLYPELPS

ClinVar aggregate classification (germline): Uncertain significance (1 of 4 stars; one submission).

Conditions:
Vici syndrome (VICIS). Identifiers: Orphanet 1493, MedGen C1855772, MONDO:0009452, OMIM 242840.

Allele frequency attached by ClinVar (database versions not stated): TOPMed below 0.00001; gnomAD 0.00001; gnomAD exomes 0.00001; ExAC 0.00002.

Submission:

Labcorp Genetics (formerly Invitae), Labcorp
Classification: Uncertain significance for Vici syndrome. Last evaluated: 2024-01-24. Review status: criteria provided, single submitter. Criteria: Invitae Variant Classification Sherloc (09022015). Collection method: clinical testing. Allele origin: germline.
Comment: This sequence change replaces arginine, which is basic and polar, with cysteine, which is neutral and slightly polar, at codon 238 of the EPG5 protein (p.Arg238Cys). This variant is present in population databases (rs745445439, gnomAD 0.003%). This variant has not been reported in the literature in individuals affected with EPG5-related conditions. ClinVar contains an entry for this variant (Variation ID: 1058306). Advanced modeling of protein sequence and biophysical properties (such as structural, functional, and spatial information, amino acid conservation, physicochemical variation, residue mobility, and thermodynamic stability) performed at Invitae indicates that this missense variant is not expected to disrupt EPG5 protein function with a negative predictive value of 80%. In summary, the available evidence is currently insufficient to determine the role of this variant in disease. Therefore, it has been classified as a Variant of Uncertain Significance.